The following is an entry in ClinVar:

NM_015278.5(SASH1):c.428-9_428-4del

Gene: SASH1 (SAM and SH3 domain containing 1; plus strand). Cytogenetic location: 6q24.3.
Variant type: Deletion.
Coding change: c.428-9_428-4del on transcript NM_015278.5 (MANE Select); 9 bases into the intron before coding-DNA position 428 through 4 bases into the intron before coding-DNA position 428, 6 bases deleted (TTTTTT; older notation c.428-9_428-4delTTTTTT).
Molecular consequence: intron variant.
Genome position (GRCh38, 1-based): chr6:148,471,408-148,471,413, TTTTTT deleted; deleting any 6 consecutive bases within chr6:148,471,387-148,471,413 gives the same sequence; the c. name uses the placement nearest the transcript's 3' end. VCF-style (leftmost placement, unchanged base first): chr6-148471386-CTTTTTT-C. GRCh37 (hg19) VCF-style: chr6-148792522-CTTTTTT-C.
Other names: c.293-9_293-4del (NM_001346505.2); c.56-9_56-4del (NM_001346506.2).
Identifiers: ClinVar variation 3044641 (VCV003044641.2), dbSNP rs35487674, ClinGen allele CA820540962.

ClinVar aggregate classification (germline): Likely benign (0 of 4 stars; one submission).

Conditions:
SASH1-related disorder. Also called: SASH1-related condition.

Submission:

PreventionGenetics, part of Exact Sciences
Classification: Likely benign for SASH1-related condition. Last evaluated: 2019-06-10. Review status: no assertion criteria provided. Collection method: clinical testing. Allele origin: germline.
Comment: This variant is classified as likely benign based on ACMG/AMP sequence variant interpretation guidelines (Richards et al. 2015 PMID: 25741868, with internal and published modifications).